The following is an entry in ClinVar:

ClinVar aggregate classification (germline): Likely benign. Review status: criteria provided, multiple submitters, no conflicts (2 of 4 stars). 2 submissions from 2 submitters: Likely benign (2). Last evaluated 2025-05-27.

Conditions:
NEFH-related disorder. Also called: NEFH-related condition.

Allele frequency attached by ClinVar (database versions not stated): gnomAD exomes 0.00002; TOPMed 0.00003; gnomAD 0.00005.
gnomAD v4.1: 39 of 1,510,412 alleles (0.0026%); highest among the groups gnomAD compares: African/African-American, 0.0043%; no homozygotes.

Submissions (2):

PreventionGenetics, part of Exact Sciences
Classification: Likely benign for NEFH-related condition. Last evaluated: 2025-05-27. Review status: criteria provided, single submitter. Criteria: ACMG Guidelines, 2015. Collection method: clinical testing. Allele origin: germline.
Comment: This variant is classified as likely benign based on ACMG/AMP sequence variant interpretation guidelines (Richards et al. 2015 PMID: 25741868, with internal and published modifications).

Labcorp Genetics (formerly Invitae), Labcorp
Classification: Likely benign. Last evaluated: 2024-10-28. Review status: criteria provided, single submitter. Criteria: Invitae Variant Classification Sherloc (09022015). Collection method: clinical testing. Allele origin: germline.

NM_021076.4(NEFH):c.12C>T (p.Phe4=)

Gene: NEFH (neurofilament heavy chain; plus strand). Cytogenetic location: 22q12.2.
Variant type: single nucleotide variant.
Coding change: c.12C>T on transcript NM_021076.4 (MANE Select); coding-DNA position 12, C replaced by T.
Protein change: p.Phe4=; no amino-acid change (phenylalanine 4 retained).
Molecular consequence: synonymous variant.
Genome position (GRCh38, 1-based): chr22:29,480,274, C>T. VCF-style: chr22-29480274-C-T. GRCh37 (hg19) VCF-style: chr22-29876263-C-T.
Other names: c.12C>T (NM_021076.3).
Identifiers: ClinVar variation 1901194 (VCV001901194.6), dbSNP rs746957137, ClinGen allele CA10173951.